The following is an entry in ClinVar:

NM_031935.3(HMCN1):c.9638G>A (p.Arg3213Gln)

Gene: HMCN1 (hemicentin 1; plus strand). Cytogenetic location: 1q31.1.
Variant type: single nucleotide variant.
Coding change: c.9638G>A on transcript NM_031935.3 (MANE Select); coding-DNA position 9638, G replaced by A.
Protein change: p.Arg3213Gln; replaces arginine 3213 with glutamine.
Molecular consequence: missense variant.
Genome position (GRCh38, 1-based): chr1:186,088,666, G>A. VCF-style: chr1-186088666-G-A. GRCh37 (hg19) VCF-style: chr1-186057798-G-A.
Other names: short protein forms R3213Q.
Identifiers: ClinVar variation 2057926 (VCV002057926.4), dbSNP rs1173159547, ClinGen allele CA343922465.

ClinVar aggregate classification (germline): Uncertain significance (1 of 4 stars; one submission).

Allele frequency attached by ClinVar (database versions not stated): TOPMed 0.00001; gnomAD 0.00002; gnomAD exomes 0.00001.
gnomAD v4.1: 25 of 1,611,670 alleles (0.0016%); highest among the groups gnomAD compares: East Asian, 0.0045%; no homozygotes.

Submission:

Labcorp Genetics (formerly Invitae), Labcorp
Classification: Uncertain significance. Last evaluated: 2022-01-16. Review status: criteria provided, single submitter. Criteria: Invitae Variant Classification Sherloc (09022015). Collection method: clinical testing. Allele origin: germline.
Comment: In summary, the available evidence is currently insufficient to determine the role of this variant in disease. Therefore, it has been classified as a Variant of Uncertain Significance. Algorithms developed to predict the effect of missense changes on protein structure and function are either unavailable or do not agree on the potential impact of this missense change (SIFT: "Deleterious"; PolyPhen-2: "Probably Damaging"; Align-GVGD: "Class C0"). This variant has not been reported in the literature in individuals affected with HMCN1-related conditions. The frequency data for this variant in the population databases is considered unreliable, as metrics indicate poor data quality at this position in the gnomAD database. This sequence change replaces arginine, which is basic and polar, with glutamine, which is neutral and polar, at codon 3213 of the HMCN1 protein (p.Arg3213Gln).